The following is an entry in ClinVar:

ClinVar aggregate classification (germline): Likely benign (1 of 4 stars; one submission).

gnomAD v4.1: 4 of 152,164 alleles (0.0026%); highest among the groups gnomAD compares: Non-Finnish European, 0.0059%; no homozygotes.

Submission:

CeGaT Center for Human Genetics Tuebingen
Classification: Likely benign. Last evaluated: 2025-10-01. Review status: criteria provided, single submitter. Criteria: CeGaT Center For Human Genetics Tuebingen Variant Classification Criteria Version 2. Collection method: clinical testing. Allele origin: germline. Affected: yes. Observed: 1 variant allele.
Comment: COL4A1: BP4, BP7

NM_001845.6(COL4A1):c.144+5228C>T

Gene: COL4A1 (collagen type IV alpha 1 chain; minus strand). Cytogenetic location: 13q34.
Variant type: single nucleotide variant.
Coding change: c.144+5228C>T on transcript NM_001845.6 (MANE Select); 5228 bases into the intron after coding-DNA position 144, C replaced by T.
Molecular consequence: intron variant.
Genome position (GRCh38, 1-based): chr13:110,237,447, G>A on the plus strand (C>T on the coding strand, the complement: COL4A1 is on the minus strand). VCF-style: chr13-110237447-G-A. GRCh37 (hg19) VCF-style: chr13-110889794-G-A.
Other names: c.144+5228C>T (NM_001303110.2).
Identifiers: ClinVar variation 4534534 (VCV004534534.6).